The following is an entry in ClinVar:

ClinVar aggregate classification (germline): Uncertain significance. Review status: criteria provided, multiple submitters, no conflicts (2 of 4 stars). 2 submissions from 2 submitters: Uncertain significance (2). Last evaluated 2025-07-21.

Allele frequency attached by ClinVar (database versions not stated): TOPMed below 0.00001; gnomAD 0.00001; gnomAD exomes 0.00001 and 0.00002.
gnomAD v4.1: 10 of 1,612,392 alleles (0.00062%); highest among the groups gnomAD compares: Admixed American, 0.012%; no homozygotes.

Submissions (2):

GeneDx
Classification: Uncertain significance. Last evaluated: 2025-07-21. Review status: criteria provided, single submitter. Criteria: GeneDx Variant Classification Process June 2021. Collection method: clinical testing. Allele origin: germline. Affected: yes.
Comment: In silico analysis supports that this missense variant has a deleterious effect on protein structure/function; Has not been previously published as pathogenic or benign to our knowledge

Labcorp Genetics (formerly Invitae), Labcorp
Classification: Uncertain significance. Last evaluated: 2022-03-10. Review status: criteria provided, single submitter. Criteria: Invitae Variant Classification Sherloc (09022015). Collection method: clinical testing. Allele origin: germline.
Comment: This sequence change replaces serine, which is neutral and polar, with phenylalanine, which is neutral and non-polar, at codon 3514 of the PCLO protein (p.Ser3514Phe). This variant is present in population databases (no rsID available, gnomAD 0.01%). This variant has not been reported in the literature in individuals affected with PCLO-related conditions. Algorithms developed to predict the effect of missense changes on protein structure and function are either unavailable or do not agree on the potential impact of this missense change (SIFT: "Deleterious"; PolyPhen-2: "Not Available"; Align-GVGD: "Class C0"). In summary, the available evidence is currently insufficient to determine the role of this variant in disease. Therefore, it has been classified as a Variant of Uncertain Significance.

NM_033026.6(PCLO):c.10541C>T (p.Ser3514Phe)

Gene: PCLO (piccolo presynaptic cytomatrix protein; minus strand). Cytogenetic location: 7q21.11.
Variant type: single nucleotide variant.
Coding change: c.10541C>T on transcript NM_033026.6 (MANE Select); coding-DNA position 10541, C replaced by T.
Protein change: p.Ser3514Phe; replaces serine 3514 with phenylalanine.
Molecular consequence: missense variant.
Genome position (GRCh38, 1-based): chr7:82,950,047, G>A on the plus strand (C>T on the coding strand, the complement: PCLO is on the minus strand). VCF-style: chr7-82950047-G-A. GRCh37 (hg19) VCF-style: chr7-82579363-G-A.
Other names: c.10541C>T, p.Ser3514Phe (NM_014510.3); c.10541C>T (NM_033026.5); short protein forms S3514F.
Identifiers: ClinVar variation 1505598 (VCV001505598.8), dbSNP rs1405733379, ClinGen allele CA367902973.